The following is an entry in ClinVar:

NM_001256715.2(DNAAF3):c.1132G>A (p.Gly378Ser)

Genes: DNAAF3 (dynein axonemal assembly factor 3; minus strand), DNAAF3-AS1 (DNAAF3 antisense RNA 1; plus strand). Cytogenetic location: 19q13.42.
Variant type: single nucleotide variant.
Coding change: c.1132G>A on transcript NM_001256715.2 (MANE Select); coding-DNA position 1132, G replaced by A.
Protein change: p.Gly378Ser; replaces glycine 378 with serine.
Molecular consequence: missense variant.
Genome position (GRCh38, 1-based): chr19:55,159,930, C>T on the plus strand (G>A on the coding strand, the complement: DNAAF3 is on the minus strand). VCF-style: chr19-55159930-C-T. GRCh37 (hg19) VCF-style: chr19-55671298-C-T.
Other names: c.970G>A, p.Gly324Ser (NM_001256716.2); c.1273G>A, p.Gly425Ser (NM_178837.4); c.1333G>A, p.Gly445Ser (NM_001256714.1); short protein forms G425S, G324S, G378S, G445S.
Identifiers: ClinVar variation 1441844 (VCV001441844.5), dbSNP rs200611170, ClinGen allele CA9667898.
Genomic context (GRCh38, chr19:55,159,930, plus strand): 5'-TTTGTGAGCACAGCTGCCTCCCCGCTTACCCACAGGCCACATAGAGGAGCTGGAATCGGC[C>T]GTTGTAGCAGCTCTTGTGGTGGAGAGTCTGAGCAGAATTGAGCGGCAGGAAGTGGACGGT-3'
Protein context (NP_001243644.1, residues 368-388): QTLHHKSCYN[Gly378Ser]RFQLLYVACG

ClinVar aggregate classification (germline): Uncertain significance. Review status: criteria provided, multiple submitters, no conflicts (2 of 4 stars). 2 submissions from 2 submitters: Uncertain significance (2). Last evaluated 2021-09-09.

Conditions:
Primary ciliary dyskinesia. Also called: Ciliary dyskinesia. Identifiers: Orphanet 244, MedGen C0008780, MONDO:0016575, HP:0012265.

Allele frequency attached by ClinVar (database versions not stated): gnomAD 0.00003 and 0.00004; ExAC 0.00005; gnomAD exomes 0.00007 and 0.00008; ESP Exome Variant Server 0.00008; TOPMed 0.00008.
gnomAD v4.1: 115 of 1,610,032 alleles (0.0071%); highest among the groups gnomAD compares: Non-Finnish European, 0.0082%; no homozygotes.

Submissions (2):

Labcorp Genetics (formerly Invitae), Labcorp
Classification: Uncertain significance for Primary ciliary dyskinesia. Last evaluated: 2021-09-09. Review status: criteria provided, single submitter. Criteria: Invitae Variant Classification Sherloc (09022015). Collection method: clinical testing. Allele origin: germline.
Comment: This sequence change replaces glycine with serine at codon 445 of the DNAAF3 protein (p.Gly445Ser). The glycine residue is moderately conserved and there is a small physicochemical difference between glycine and serine. This variant is present in population databases (rs200611170, ExAC 0.009%). This variant has not been reported in the literature in individuals affected with DNAAF3-related conditions. Algorithms developed to predict the effect of missense changes on protein structure and function output the following: SIFT: "Tolerated"; PolyPhen-2: "Benign"; Align-GVGD: "Class C0". The serine amino acid residue is found in multiple mammalian species, which suggests that this missense change does not adversely affect protein function. In summary, the available evidence is currently insufficient to determine the role of this variant in disease. Therefore, it has been classified as a Variant of Uncertain Significance.

Ambry Genetics
Classification: Uncertain significance for Primary ciliary dyskinesia. Last evaluated: 2016-12-15. Review status: criteria provided, single submitter. Criteria: Ambry Variant Classification Scheme 2023. Collection method: clinical testing. Allele origin: germline.
Comment: The p.G445S variant (also known as c.1333G>A), located in coding exon 10 of the DNAAF3 gene, results from a G to A substitution at nucleotide position 1333. The glycine at codon 445 is replaced by serine, an amino acid with similar properties. In addition, this alteration is predicted to be tolerated by in silico analysis. Since supporting evidence is limited at this time, the clinical significance of this alteration remains unclear.